The following is an entry in ClinVar:

NM_017668.3(NDE1):c.577A>G (p.Met193Val)

Gene: NDE1 (nudE neurodevelopment protein 1; plus strand). Cytogenetic location: 16p13.11.
Variant type: single nucleotide variant.
Coding change: c.577A>G on transcript NM_017668.3 (MANE Select); coding-DNA position 577, A replaced by G.
Protein change: p.Met193Val; replaces methionine 193 with valine.
Molecular consequence: missense variant.
Genome position (GRCh38, 1-based): chr16:15,691,197, A>G. VCF-style: chr16-15691197-A-G. GRCh37 (hg19) VCF-style: chr16-15785054-A-G.
Other names: c.577A>G, p.Met193Val (NM_001143979.2); short protein forms M193V.
Identifiers: ClinVar variation 1302367 (VCV001302367.3), dbSNP rs146469808, ClinGen allele CA7920710.

ClinVar aggregate classification (germline): Uncertain significance. Review status: criteria provided, multiple submitters, no conflicts (2 of 4 stars). 2 submissions from 2 submitters: Uncertain significance (2). Last evaluated 2025-01-22.

Conditions:
Inborn genetic diseases. Identifiers: MedGen C0950123, MeSH D030342.

Allele frequency attached by ClinVar (database versions not stated): ExAC 0.00005; gnomAD exomes 0.00007 and 0.00012; ESP Exome Variant Server 0.00008; gnomAD 0.00009; TOPMed 0.00009.

Submissions (2):

Ambry Genetics
Classification: Uncertain significance for Inborn genetic diseases. Last evaluated: 2025-01-22. Review status: criteria provided, single submitter. Criteria: Ambry Variant Classification Scheme 2023. Collection method: clinical testing. Allele origin: germline.

GeneDx
Classification: Uncertain significance. Last evaluated: 2019-07-29. Review status: criteria provided, single submitter. Criteria: GeneDx Variant Classification Process June 2021. Collection method: clinical testing. Allele origin: germline. Affected: yes.
Comment: Not observed at a significant frequency in large population cohorts (Lek et al., 2016); In silico analysis, which includes protein predictors and evolutionary conservation, supports that this variant does not alter protein structure/function; Has not been previously published as pathogenic or benign to our knowledge